The following is an entry in ClinVar:

NM_000535.7(PMS2):c.39G>A (p.Lys13=)

Gene: PMS2 (PMS1 homolog 2, mismatch repair system component; minus strand). Cytogenetic location: 7p22.1.
Variant type: single nucleotide variant.
Coding change: c.39G>A on transcript NM_000535.7 (MANE Select); coding-DNA position 39, G replaced by A.
Protein change: p.Lys13=; no amino-acid change (lysine 13 retained).
Molecular consequence: synonymous variant. On other transcripts: 5 prime UTR variant (8), non-coding transcript variant (1), intron variant (3).
Genome position (GRCh38, 1-based): chr7:6,006,016, C>T on the plus strand (G>A on the coding strand, the complement: PMS2 is on the minus strand). VCF-style: chr7-6006016-C-T. GRCh37 (hg19) VCF-style: chr7-6045647-C-T.
Other names: c.-367G>A (NM_001322003.2, NM_001322005.2, NM_001322009.2 and 1 more transcripts); c.39G>A, p.Lys13= (NM_001322006.2, NM_001322014.2); c.-177G>A (NM_001322007.2); c.-846G>A (NM_001322011.2, NM_001322012.2); c.-446G>A (NM_001322015.2); c.-52-1958G>A (NM_001322008.2); c.-242-1958G>A (NM_001322010.2, NM_001322004.2).
Identifiers: ClinVar variation 1592155 (VCV001592155.11), dbSNP rs2128846889, ClinGen allele CA453650363.

ClinVar aggregate classification (germline): Benign/Likely benign. Review status: criteria provided, multiple submitters, no conflicts (2 of 4 stars). 3 submissions from 3 submitters: Benign (1); Likely benign (2). Last evaluated 2025-01-23.

Conditions:
Hereditary cancer-predisposing syndrome. Also called: Tumor predisposition; Hereditary neoplastic syndrome; Neoplastic Syndromes, Hereditary; Hereditary Cancer Syndrome. Identifiers: Orphanet 140162, MedGen C0027672, MeSH D009386, MONDO:0015356.
Hereditary nonpolyposis colorectal neoplasms. Identifiers: MedGen C0009405, MeSH D003123.
Lynch syndrome 4 (LYNCH4). Also called: Colorectal cancer, hereditary nonpolyposis, type 4; Hereditary non-polyposis colorectal cancer, type 4. Identifiers: Orphanet 144, MedGen C1838333, MONDO:0013699, OMIM 614337. Disease mechanism: loss of function.

Allele frequency attached by ClinVar (database versions not stated): gnomAD exomes below 0.00001.
gnomAD v4.1: 1 of 1,610,692 alleles (0.000062%); highest among the groups gnomAD compares: Non-Finnish European, 0.000085%; no homozygotes.

Submissions (3):

Myriad Genetics, Inc.
Classification: Benign for Lynch syndrome 4. Last evaluated: 2025-01-23. Review status: criteria provided, single submitter. Criteria: Myriad Autosomal Dominant, Autosomal Recessive and X-Linked Classification Criteria (2023). Collection method: clinical testing. Allele origin: unknown.
Comment: This variant is considered benign. This variant is a silent/synonymous amino acid change and it is not expected to impact splicing.

Labcorp Genetics (formerly Invitae), Labcorp
Classification: Likely benign for Hereditary nonpolyposis colorectal neoplasms. Last evaluated: 2023-06-09. Review status: criteria provided, single submitter. Criteria: Invitae Variant Classification Sherloc (09022015). Collection method: clinical testing. Allele origin: germline.

Color Diagnostics, LLC DBA Color Health
Classification: Likely benign for Hereditary cancer-predisposing syndrome. Last evaluated: 2021-12-14. Review status: criteria provided, single submitter. Criteria: ACMG Guidelines, 2015. Collection method: clinical testing. Allele origin: germline.